The following is an entry in ClinVar:

ClinVar aggregate classification (germline): Uncertain significance (1 of 4 stars; one submission).

Submission:

Labcorp Genetics (formerly Invitae), Labcorp
Classification: Uncertain significance. Last evaluated: 2021-09-07. Review status: criteria provided, single submitter. Criteria: Invitae Variant Classification Sherloc (09022015). Collection method: clinical testing. Allele origin: germline.
Comment: In summary, the available evidence is currently insufficient to determine the role of this variant in disease. Therefore, it has been classified as a Variant of Uncertain Significance. Advanced modeling of protein sequence and biophysical properties (such as structural, functional, and spatial information, amino acid conservation, physicochemical variation, residue mobility, and thermodynamic stability) performed at Invitae indicates that this missense variant is not expected to disrupt FAT4 protein function. This variant has not been reported in the literature in individuals affected with FAT4-related conditions. This variant is not present in population databases (ExAC no frequency). This sequence change replaces histidine with tyrosine at codon 254 of the FAT4 protein (p.His254Tyr). The histidine residue is moderately conserved and there is a moderate physicochemical difference between histidine and tyrosine.

NM_001291303.3(FAT4):c.760C>T (p.His254Tyr)

Gene: FAT4 (FAT atypical cadherin 4; plus strand). Cytogenetic location: 4q28.1.
Variant type: single nucleotide variant.
Coding change: c.760C>T on transcript NM_001291303.3 (MANE Select); coding-DNA position 760, C replaced by T.
Protein change: p.His254Tyr; replaces histidine 254 with tyrosine.
Molecular consequence: missense variant.
Genome position (GRCh38, 1-based): chr4:125,317,171, C>T. VCF-style: chr4-125317171-C-T. GRCh37 (hg19) VCF-style: chr4-126238326-C-T.
Other names: c.760C>T, p.His254Tyr (NM_001291285.3, NM_024582.6); short protein forms H254Y.
Identifiers: ClinVar variation 1517916 (VCV001517916.6), dbSNP rs2125939121, ClinGen allele CA358116478.